The following is an entry in ClinVar:

NM_000311.5(PRNP):c.623G>A (p.Arg208His)

Gene: PRNP (prion protein (Kanno blood group); plus strand). Cytogenetic location: 20p13.
Variant type: single nucleotide variant.
Coding change: c.623G>A on transcript NM_000311.5 (MANE Select); coding-DNA position 623, G replaced by A.
Protein change: p.Arg208His; replaces arginine 208 with histidine.
Molecular consequence: missense variant. On other transcripts: 3 prime UTR variant (1).
Genome position (GRCh38, 1-based): chr20:4,699,843, G>A. VCF-style: chr20-4699843-G-A. GRCh37 (hg19) VCF-style: chr20-4680489-G-A.
Other names: PRNP, ARG208HIS (rs74315412); c.623G>A, p.Arg208His (NM_001080121.3, NM_001080122.3, NM_001080123.3 and 1 more transcripts); c.*312G>A (NM_001271561.3); c.623G>A (NM_000311.4); short protein forms R208H.
Identifiers: ClinVar variation 13411 (VCV000013411.14), dbSNP rs74315412, ClinGen allele CA256785.
Genomic context (GRCh38, chr20:4,699,843, plus strand): 5'-CGGTCACCACAACCACCAAGGGGGAGAACTTCACCGAGACCGACGTTAAGATGATGGAGC[G>A]CGTGGTTGAGCAGATGTGTATCACCCAGTACGAGAGGGAATCTCAGGCCTATTACCAGAG-3'
Protein context (NP_000302.1, residues 198-218): FTETDVKMME[Arg208His]VVEQMCITQY

ClinVar aggregate classification (germline): Conflicting classifications of pathogenicity. Review status: criteria provided, conflicting classifications (1 of 4 stars). 6 submissions from 6 submitters: Pathogenic (1); Likely pathogenic (3); Uncertain significance (1). 1 of the submissions does not count toward it. Last evaluated 2026-08-22.

Conditions:
PRNP-related disorder. Also called: PRNP-related disorders; PRNP-related condition.
Inherited Creutzfeldt-Jakob disease. Also called: Creutzfeldt-Jakob Disease, Familial; Genetic Creutzfeldt-Jakob Disease (Genetic CJD). Identifiers: Orphanet 204, Orphanet 282166, Orphanet 454700, MedGen C0751254, MONDO:0007403, OMIM 123400.
Huntington disease-like 1 (HDL1). Also called: HUNTINGTON-LIKE NEURODEGENERATIVE DISORDER 1; HUNTINGTON-LIKE NEURODEGENERATIVE DISORDER, AUTOSOMAL DOMINANT; PRION DISEASE, EARLY-ONSET, WITH PROMINENT PSYCHIATRIC FEATURES. Identifiers: Orphanet 157941, MedGen C1864112, MONDO:0011299, OMIM 603218.

Allele frequency attached by ClinVar (database versions not stated): ExAC 0.00008; gnomAD exomes 0.00006 and 0.00002; TOPMed 0.00010; gnomAD 0.00004; 1000 Genomes Project 0.00020; 1000 Genomes Project 30x 0.00016.
gnomAD v4.1: 39 of 1,613,720 alleles (0.0024%); highest among the groups gnomAD compares: African/African-American, 0.019%; no homozygotes.

Submissions (6):

GeneDx
Classification: Likely pathogenic. Last evaluated: 2026-08-22. Review status: criteria provided, single submitter. Criteria: GeneDx Variant Classification Process June 2021. Collection method: clinical testing. Allele origin: germline.
Comment: As the variant is also observed in control populations, it may be associated with reduced penetrance or may slightly increase prion disease risk (PMID: 26791950); In silico analysis suggests that this missense variant does not alter protein structure/function; This variant is associated with the following publications: (PMID: 21689662, 25450391, 25959220, 30898147, 15739100, 16533975, 10079068, 17494694, 14761942, 20541558, 22488860, 15753435, 21552571, 21791975, 20301407, 8909447, 23979103, 20855418, 26488179, 33917419, 34199205, 34296847, 35888666, 36614069, 36285115, 35294674, 35813946, 35288744, 26791950, 32458274, 40220019, 34487324)

CeGaT Center for Human Genetics Tuebingen
Classification: Uncertain significance. Last evaluated: 2026-07-01. Review status: criteria provided, single submitter. Criteria: CeGaT Center For Human Genetics Tuebingen Variant Classification Criteria Version 2. Collection method: clinical testing. Allele origin: germline. Affected: yes. Observed: 1 variant allele.
Comment: PRNP: PS4, PS3:Supporting

Labcorp Genetics (formerly Invitae), Labcorp
Classification: Pathogenic for Huntington disease-like 1. Last evaluated: 2025-09-07. Review status: criteria provided, single submitter. Criteria: Invitae Variant Classification Sherloc (09022015). Collection method: clinical testing. Allele origin: germline.
Comment: This sequence change replaces arginine, which is basic and polar, with histidine, which is basic and polar, at codon 208 of the PRNP protein (p.Arg208His). This variant is present in population databases (rs74315412, gnomAD 0.03%). This missense change has been observed in individuals with genetic prion disease (PMID: 2458274, 8909447, 15739100, 15753435, 16533975). This variant is also known as R207H. ClinVar contains an entry for this variant (Variation ID: 13411). Invitae Evidence Modeling of protein sequence and biophysical properties (such as structural, functional, and spatial information, amino acid conservation, physicochemical variation, residue mobility, and thermodynamic stability) indicates that this missense variant is not expected to disrupt PRNP protein function with a negative predictive value of 80%. Experimental studies have shown that this missense change affects PRNP function (PMID: 10079068, 14761942, 17494694, 20541558, 25959220). For these reasons, this variant has been classified as Pathogenic.

Genetic Services Laboratory, University of Chicago
Classification: Likely pathogenic. Last evaluated: 2024-07-09. Review status: criteria provided, single submitter. Criteria: ACMG Guidelines, 2015. Collection method: clinical testing. Allele origin: germline. Affected: yes.
Comment: DNA sequence analysis of the PRNP gene demonstrated a sequence change, c.623G>A, in exon 2 that results in an amino acid change, p.Arg208His. The p.Arg208His change affects a moderately conserved amino acid residue located in a domain of the PRNP protein that is known to be functional. The p.Arg208His substitution appears to be possibly damaging using several in-silico pathogenicity prediction tools (SIFT, PolyPhen2, Align GVGD, REVEL). This amino acid change has been described in the literature in several individuals with prion diseases (PMID: 16533975, 8909447, 15739100, 15753435). This variant has also been described in unaffected individuals in the literature, suggesting the variant is associated with reduced penetrance (PMID: 15753435, 21791975). Functional studies have indicated that this sequence change impacts function of the PRNP protein (PMID: 10079068, 20541558). This sequence change has been described in the gnomAD database with a frequency of 0.002% in the global population (dbSNP rs74315412). The p.Arg208His amino acid change occurs in a region of the PRNP gene where other missense sequence changes have been described in individuals with prion disorders. These collective evidences indicate that this sequence change is likely pathogenic.

Women's Health and Genetics/Laboratory Corporation of America, LabCorp
Classification: Likely pathogenic for PRNP-Related Disorders. Last evaluated: 2022-11-03. Review status: criteria provided, single submitter. Criteria: LabCorp Variant Classification Summary - May 2015. Collection method: clinical testing. Allele origin: germline.
Comment: Variant summary: PRNP c.623G>A (p.Arg208His) results in a non-conservative amino acid change in the encoded protein sequence. Five of five in-silico tools predict a damaging effect of the variant on protein function. The variant allele was found at a frequency of 6e-05 in 251464 control chromosomes. This frequency is not significantly higher than expected for a pathogenic variant in PRNP causing PRNP-Related Disorders (6e-05 vs ND), allowing no conclusion about variant significance. c.623G>A has been reported in the literature in individuals affected with PRNP related disorders such as Creutzfeldt-Jakob Disease confirmed in many cases by autopsy and histological findings (example: Basset-Leobon_2006, Caperllari_2005_Chen_2011 and Roeber_2005 etc.). These data indicate that the variant is likely to be associated with disease. It has also been reported in unaffected individuals (Chen_2011) as well as in patients with no family history, however, a low penetrance has been sugguested for this variant (example: Caperllari_2005). Several publications reports experimental evidence suggest that this variant affects PRNP protein function (example: Apetri_2004, Cardone_2014, Gerum_2010 and Liemann_1999) supporting a pathogenic role. Two clinical diagnostic laboratories have submitted clinical-significance assessments for this variant to ClinVar after 2014 without evidence for independent evaluation. All laboratories classified the variant as likely pathogenic. Based on the evidence outlined above, the variant was classified as likely pathogenic.

OMIM
Classification: Uncertain significance for RECLASSIFIED - VARIANT OF UNKNOWN SIGNIFICANCE. Last evaluated: 2006-03-01. Review status: no assertion criteria provided. Collection method: literature only. Allele origin: germline. Not counted in ClinVar's aggregate classification.

Literature cited by the submitters: PubMed 2458274 (cited by Labcorp Genetics (formerly Invitae), Labcorp); PubMed 8909447 (cited by Labcorp Genetics (formerly Invitae), Labcorp and OMIM); PubMed 15739100 (cited by Labcorp Genetics (formerly Invitae), Labcorp and Women's Health and Genetics/Laboratory Corporation of America, LabCorp); PubMed 15753435 (cited by 3 submitters); PubMed 16533975 (cited by 3 submitters); PubMed 10079068 (cited by Labcorp Genetics (formerly Invitae), Labcorp); PubMed 14761942 (cited by Labcorp Genetics (formerly Invitae), Labcorp and Women's Health and Genetics/Laboratory Corporation of America, LabCorp); PubMed 17494694 (cited by Labcorp Genetics (formerly Invitae), Labcorp and Women's Health and Genetics/Laboratory Corporation of America, LabCorp); PubMed 20541558 (cited by Labcorp Genetics (formerly Invitae), Labcorp and Women's Health and Genetics/Laboratory Corporation of America, LabCorp); PubMed 25959220 (cited by Labcorp Genetics (formerly Invitae), Labcorp); PubMed 25450391 (cited by Women's Health and Genetics/Laboratory Corporation of America, LabCorp); PubMed 21791975 (cited by Women's Health and Genetics/Laboratory Corporation of America, LabCorp); PubMed 16187142 (cited by Women's Health and Genetics/Laboratory Corporation of America, LabCorp); PubMed 22488860 (cited by Women's Health and Genetics/Laboratory Corporation of America, LabCorp); PubMed 21552571 (cited by Women's Health and Genetics/Laboratory Corporation of America, LabCorp); PubMed 26791950 (cited by OMIM).